The following is an entry in ClinVar:

ClinVar aggregate classification (germline): Uncertain significance (1 of 4 stars; one submission).

Submission:

Ambry Genetics
Classification: Uncertain significance. Last evaluated: 2025-08-01. Review status: criteria provided, single submitter. Criteria: Ambry Variant Classification Scheme 2023. Collection method: clinical testing. Allele origin: germline.
Comment: The p.G215R variant (also known as c.643G>C), located in coding exon 3 of the GALNT12 gene, results from a G to C substitution at nucleotide position 643. The glycine at codon 215 is replaced by arginine, an amino acid with dissimilar properties. This amino acid position is conserved. In addition, this alteration is predicted to be deleterious by in silico analysis. Since supporting evidence is limited at this time, the clinical significance of this alteration remains unclear.

NM_024642.5(GALNT12):c.643G>C (p.Gly215Arg)

Gene: GALNT12 (polypeptide N-acetylgalactosaminyltransferase 12; plus strand). Cytogenetic location: 9q22.33.
Variant type: single nucleotide variant.
Coding change: c.643G>C on transcript NM_024642.5 (MANE Select); coding-DNA position 643, G replaced by C.
Protein change: p.Gly215Arg; replaces glycine 215 with arginine.
Molecular consequence: missense variant.
Genome position (GRCh38, 1-based): chr9:98,826,853, G>C. VCF-style: chr9-98826853-G-C. GRCh37 (hg19) VCF-style: chr9-101589135-G-C.
Other names: short protein forms G215R.
Identifiers: ClinVar variation 2599140 (VCV002599140.4), dbSNP rs2490502005, ClinGen allele CA374217573.